The following is an entry in ClinVar:

ClinVar aggregate classification (germline): Uncertain significance. Review status: criteria provided, multiple submitters, no conflicts (2 of 4 stars). 2 submissions from 2 submitters: Uncertain significance (2). Last evaluated 2023-03-04.

Conditions:
Peutz-Jeghers syndrome (PJS). Also called: Peutz-Jeghers polyposis; Periorificial lentiginosis syndrome; POLYPOSIS, HAMARTOMATOUS INTESTINAL; POLYPS-AND-SPOTS SYNDROME. Identifiers: Orphanet 2869, MedGen C0031269, MeSH D010580, MONDO:0008280, OMIM 175200.

gnomAD v4.1: 3 of 1,606,984 alleles (0.00019%); highest among the groups gnomAD compares: Non-Finnish European, 0.00025%; no homozygotes.

Submissions (2):

All of Us Research Program, National Institutes of Health
Classification: Uncertain significance for Peutz-Jeghers syndrome. Last evaluated: 2023-03-04. Review status: criteria provided, single submitter. Criteria: ACMG Guidelines, 2015. Collection method: clinical testing. Allele origin: germline. Inheritance: Autosomal dominant inheritance. Observed: 1 variant allele, 1 heterozygote.
Comment: This study involves interpretation of variants in research participants for the purpose of population health screening. Participant phenotype was not available at the time of variant classification. Additional details can be found in publication PMID: 35346344, PMCID: PMC8962531

Labcorp Genetics (formerly Invitae), Labcorp
Classification: Uncertain significance for Peutz-Jeghers syndrome. Last evaluated: 2022-04-30. Review status: criteria provided, single submitter. Criteria: Invitae Variant Classification Sherloc (09022015). Collection method: clinical testing. Allele origin: germline.
Comment: This variant has not been reported in the literature in individuals affected with STK11-related conditions. This variant is not present in population databases (gnomAD no frequency). This sequence change replaces threonine, which is neutral and polar, with alanine, which is neutral and non-polar, at codon 186 of the STK11 protein (p.Thr186Ala). In summary, the available evidence is currently insufficient to determine the role of this variant in disease. Therefore, it has been classified as a Variant of Uncertain Significance. Advanced modeling of protein sequence and biophysical properties (such as structural, functional, and spatial information, amino acid conservation, physicochemical variation, residue mobility, and thermodynamic stability) performed at Invitae indicates that this missense variant is not expected to disrupt STK11 protein function.

NM_000455.5(STK11):c.556A>G (p.Thr186Ala)

Gene: STK11 (serine/threonine kinase 11; plus strand). Cytogenetic location: 19p13.3.
Variant type: single nucleotide variant.
Coding change: c.556A>G on transcript NM_000455.5 (MANE Select); coding-DNA position 556, A replaced by G.
Protein change: p.Thr186Ala; replaces threonine 186 with alanine.
Molecular consequence: missense variant.
Genome position (GRCh38, 1-based): chr19:1,220,464, A>G. VCF-style: chr19-1220464-A-G. GRCh37 (hg19) VCF-style: chr19-1220463-A-G.
Other names: c.556A>G, p.Thr186Ala (NM_001407255.1); short protein forms T186A.
Identifiers: ClinVar variation 2132259 (VCV002132259.5), dbSNP rs2080774753, ClinGen allele CA402949158.